The following is an entry in ClinVar:

ClinVar aggregate classification (germline): Uncertain significance (1 of 4 stars; one submission).

Conditions:
Hereditary cancer-predisposing syndrome. Also called: Neoplastic Syndromes, Hereditary; Tumor predisposition; Hereditary Cancer Syndrome; Hereditary neoplastic syndrome. Identifiers: Orphanet 140162, MedGen C0027672, MeSH D009386, MONDO:0015356.

Submission:

Ambry Genetics
Classification: Uncertain significance for Hereditary cancer-predisposing syndrome. Last evaluated: 2024-09-09. Review status: criteria provided, single submitter. Criteria: Ambry Variant Classification Scheme 2023. Collection method: clinical testing. Allele origin: germline.
Comment: The p.K773T variant (also known as c.2318A>C), located in coding exon 20 of the POLE gene, results from an A to C substitution at nucleotide position 2318. The lysine at codon 773 is replaced by threonine, an amino acid with similar properties. This amino acid position is conserved. In addition, the in silico prediction for this alteration is inconclusive. Based on the available evidence, the clinical significance of this variant remains unclear.

NM_006231.4(POLE):c.2318A>C (p.Lys773Thr)

Gene: POLE (DNA polymerase epsilon, catalytic subunit; minus strand). Cytogenetic location: 12q24.33.
Variant type: single nucleotide variant.
Coding change: c.2318A>C on transcript NM_006231.4 (MANE Select); coding-DNA position 2318, A replaced by C.
Protein change: p.Lys773Thr; replaces lysine 773 with threonine.
Molecular consequence: missense variant.
Genome position (GRCh38, 1-based): chr12:132,667,504, T>G on the plus strand (A>C on the coding strand, the complement: POLE is on the minus strand). VCF-style: chr12-132667504-T-G. GRCh37 (hg19) VCF-style: chr12-133244090-T-G.
Other names: short protein forms K773T.
Identifiers: ClinVar variation 3422153 (VCV003422153.1).